The following is an entry in ClinVar:

ClinVar aggregate classification (germline): Uncertain significance (1 of 4 stars; one submission).

Conditions:
Neuronopathy, distal hereditary motor, autosomal recessive 5. Also called: Young adult-onset distal hereditary motor neuropathy; NEUROPATHY, DISTAL HEREDITARY MOTOR, AUTOSOMAL RECESSIVE 5; Spinal muscular atrophy, distal, autosomal recessive, 5. Identifiers: Orphanet 314485, Orphanet 443950, MedGen C4749918, MONDO:0013947, OMIM 614881.

Allele frequency attached by ClinVar (database versions not stated): gnomAD 0.00003; TOPMed 0.00022; 1000 Genomes Project 30x 0.00031; 1000 Genomes Project 0.00040.

Submission:

Labcorp Genetics (formerly Invitae), Labcorp
Classification: Uncertain significance for Neuronopathy, distal hereditary motor, autosomal recessive 5. Last evaluated: 2024-07-24. Review status: criteria provided, single submitter. Criteria: Invitae Variant Classification Sherloc (09022015). Collection method: clinical testing. Allele origin: germline.
Comment: This sequence change replaces arginine, which is basic and polar, with proline, which is neutral and non-polar, at codon 82 of the DNAJB2 protein (p.Arg82Pro). This variant is present in population databases (rs576205050, gnomAD 0.2%). This variant has not been reported in the literature in individuals affected with DNAJB2-related conditions. ClinVar contains an entry for this variant (Variation ID: 540529). Advanced modeling of protein sequence and biophysical properties (such as structural, functional, and spatial information, amino acid conservation, physicochemical variation, residue mobility, and thermodynamic stability) performed at Invitae indicates that this missense variant is not expected to disrupt DNAJB2 protein function with a negative predictive value of 80%. In summary, the available evidence is currently insufficient to determine the role of this variant in disease. Therefore, it has been classified as a Variant of Uncertain Significance.

NM_006736.6(DNAJB2):c.245G>C (p.Arg82Pro)

Gene: DNAJB2 (DnaJ heat shock protein family (Hsp40) member B2; plus strand). Cytogenetic location: 2q35.
Variant type: single nucleotide variant.
Coding change: c.245G>C on transcript NM_006736.6 (MANE Select); coding-DNA position 245, G replaced by C.
Protein change: p.Arg82Pro; replaces arginine 82 with proline.
Molecular consequence: missense variant.
Genome position (GRCh38, 1-based): chr2:219,281,954, G>C. VCF-style: chr2-219281954-G-C. GRCh37 (hg19) VCF-style: chr2-220146676-G-C.
Other names: c.245G>C, p.Arg82Pro (NM_001039550.2); short protein forms R82P.
Identifiers: ClinVar variation 540529 (VCV000540529.10), dbSNP rs576205050, ClinGen allele CA2122892.